The following is an entry in ClinVar:

ClinVar aggregate classification (germline): Likely benign. Review status: criteria provided, multiple submitters, no conflicts (2 of 4 stars). 3 submissions from 3 submitters: Likely benign (3). Last evaluated 2025-10-07.

Conditions:
ADNP-related disorder. Also called: ADNP-related condition.
Inborn genetic diseases. Identifiers: MedGen C0950123, MeSH D030342.

Allele frequency attached by ClinVar (database versions not stated): gnomAD exomes 0.00001; ExAC 0.00005; gnomAD 0.00008; TOPMed 0.00008; ESP Exome Variant Server 0.00031.
gnomAD v4.1: 23 of 1,614,102 alleles (0.0014%); highest among the groups gnomAD compares: African/African-American, 0.029%; no homozygotes.

Submissions (3):

Labcorp Genetics (formerly Invitae), Labcorp
Classification: Likely benign. Last evaluated: 2025-10-07. Review status: criteria provided, single submitter. Criteria: Invitae Variant Classification Sherloc (09022015). Collection method: clinical testing. Allele origin: germline.

PreventionGenetics, part of Exact Sciences
Classification: Likely benign for ADNP-related condition. Last evaluated: 2025-06-05. Review status: criteria provided, single submitter. Criteria: ACMG Guidelines, 2015. Collection method: clinical testing. Allele origin: germline.
Comment: This variant is classified as likely benign based on ACMG/AMP sequence variant interpretation guidelines (Richards et al. 2015 PMID: 25741868, with internal and published modifications).

Ambry Genetics
Classification: Likely benign for Inborn genetic diseases. Last evaluated: 2019-08-15. Review status: criteria provided, single submitter. Criteria: Ambry Variant Classification Scheme 2023. Collection method: clinical testing. Allele origin: germline.

NM_001282531.3(ADNP):c.1764A>G (p.Pro588=)

Gene: ADNP (activity dependent neuroprotector homeobox; minus strand). Cytogenetic location: 20q13.13.
Variant type: single nucleotide variant.
Coding change: c.1764A>G on transcript NM_001282531.3 (MANE Select); coding-DNA position 1764, A replaced by G.
Protein change: p.Pro588=; no amino-acid change (proline 588 retained).
Molecular consequence: synonymous variant.
Genome position (GRCh38, 1-based): chr20:50,892,950, T>C on the plus strand (A>G on the coding strand, the complement: ADNP is on the minus strand). VCF-style: chr20-50892950-T-C. GRCh37 (hg19) VCF-style: chr20-49509487-T-C.
Other names: c.1764A>G (NM_001282531.2); c.1764A>G, p.Pro588= (NM_001282532.2, NM_001347511.2, NM_015339.5 and 1 more transcripts).
Identifiers: ClinVar variation 1779634 (VCV001779634.8), dbSNP rs144102823, ClinGen allele CA9908687.